The following is an entry in ClinVar:

NM_052947.4(ALPK2):c.3392G>A (p.Ser1131Asn)

Gene: ALPK2 (alpha kinase 2; minus strand). Cytogenetic location: 18q21.31.
Variant type: single nucleotide variant.
Coding change: c.3392G>A on transcript NM_052947.4 (MANE Select); coding-DNA position 3392, G replaced by A.
Protein change: p.Ser1131Asn; replaces serine 1131 with asparagine.
Molecular consequence: missense variant.
Genome position (GRCh38, 1-based): chr18:58,536,795, C>T on the plus strand (G>A on the coding strand, the complement: ALPK2 is on the minus strand). VCF-style: chr18-58536795-C-T. GRCh37 (hg19) VCF-style: chr18-56204027-C-T.
Other names: short protein forms S1131N.
Identifiers: ClinVar variation 2624497 (VCV002624497.2), dbSNP rs2518876536, ClinGen allele CA402568467.

ClinVar aggregate classification (germline): Uncertain significance (1 of 4 stars; one submission).

Submission:

Ambry Genetics
Classification: Uncertain significance. Last evaluated: 2023-08-29. Review status: criteria provided, single submitter. Criteria: Ambry Variant Classification Scheme 2023. Collection method: clinical testing. Allele origin: germline.
Comment: The p.S1131N variant (also known as c.3392G>A), located in coding exon 4 of the ALPK2 gene, results from a G to A substitution at nucleotide position 3392. The serine at codon 1131 is replaced by asparagine, an amino acid with highly similar properties. This amino acid position is conserved. In addition, this alteration is predicted to be tolerated by in silico analysis. Since supporting evidence is limited at this time, the clinical significance of this alteration remains unclear.